The following is an entry in ClinVar:

NM_172201.2(KCNE2):c.347C>T (p.Ala116Val)

Genes: KCNE2 (potassium voltage-gated channel subfamily E regulatory subunit 2; plus strand), LOC105372791 (uncharacterized LOC105372791; minus strand). Cytogenetic location: 21q22.11.
Variant type: single nucleotide variant.
Coding change: c.347C>T on transcript NM_172201.2 (MANE Select); coding-DNA position 347, C replaced by T.
Protein change: p.Ala116Val; replaces alanine 116 with valine.
Molecular consequence: missense variant.
Genome position (GRCh38, 1-based): chr21:34,370,825, C>T. VCF-style: chr21-34370825-C-T. GRCh37 (hg19) VCF-style: chr21-35743124-C-T.
Other names: c.347C>T (LRG_291t1); short protein forms A116V.
Identifiers: ClinVar variation 67620 (VCV000067620.9), dbSNP rs199473367, ClinGen allele CA145058.

ClinVar aggregate classification (germline): Conflicting classifications of pathogenicity. Review status: criteria provided, conflicting classifications (1 of 4 stars). 5 submissions from 5 submitters: Likely pathogenic (2); Uncertain significance (2). 1 of the submissions does not count toward it. Last evaluated 2025-11-08.

Conditions:
Long QT syndrome 6 (LQT6). Identifiers: Orphanet 101016, Orphanet 768, MedGen C3150953, MONDO:0013370, OMIM 613693.
Acquired long QT syndrome. Identifiers: MedGen C2732979, MONDO:1060292.

Allele frequency attached by ClinVar (database versions not stated): ExAC 0.00002; gnomAD exomes 0.00002; TOPMed 0.00002; gnomAD 0.00003.
gnomAD v4.1: 34 of 1,613,950 alleles (0.0021%); highest among the groups gnomAD compares: Middle Eastern, 0.017%; no homozygotes.

Submissions (5):

Labcorp Genetics (formerly Invitae), Labcorp
Classification: Uncertain significance for Long QT syndrome 6. Last evaluated: 2025-11-08. Review status: criteria provided, single submitter. Criteria: Invitae Variant Classification Sherloc (09022015). Collection method: clinical testing. Allele origin: germline.
Comment: This sequence change replaces alanine, which is neutral and non-polar, with valine, which is neutral and non-polar, at codon 116 of the KCNE2 protein (p.Ala116Val). This variant is present in population databases (rs199473367, gnomAD 0.004%). This missense change has been observed in individual(s) with clinical features of long QT syndrome (PMID: 10984545). ClinVar contains an entry for this variant (Variation ID: 67620). An algorithm developed to predict the effect of missense changes on protein structure and function (PolyPhen-2) suggests that this variant is likely to be disruptive. Experimental studies have shown that this missense change affects KCNE2 function (PMID: 10984545). In summary, the available evidence is currently insufficient to determine the role of this variant in disease. Therefore, it has been classified as a Variant of Uncertain Significance.

Victorian Clinical Genetics Services, Murdoch Childrens Research Institute
Classification: Uncertain significance for Long QT syndrome 6. Last evaluated: 2022-03-31. Review status: criteria provided, single submitter. Criteria: ACMG Guidelines, 2015. Collection method: clinical testing. Allele origin: germline. Inheritance: Autosomal dominant inheritance. Affected: yes.
Comment: Based on the classification scheme VCGS_Germline_v1.3.4, this variant is classified as VUS-3B. Following criteria are met: 0103 - Loss of function and gain of function are proposed mechanisms of disease in this gene and are associated with long QT syndrome 6 (MIM#613693) and familial atrial fibrillation (MIM#611493), respectively. However, this should be interpreted with caution as the gene-disease association for KCNE2 is currently unclear (PMIDs: 22166675, 26123744, 24796621, 28794082, 15368194). (I) 0107 - This gene is associated with autosomal dominant disease. (I) 0200 - Variant is predicted to result in a missense amino acid change from alanine to valine. (I) 0251 - This variant is heterozygous. (I) 0302 - Variant is present in gnomAD (v2) <0.001 for a dominant condition (6 heterozygotes, 0 homozygotes). (SP) 0309 - An alternative amino acid change at the same position has been observed in gnomAD (v3) (12 heterozygotes, 0 homozygotes). (I) 0502 - Missense variant with conflicting in silico predictions and uninformative conservation. (I) 0600 - Variant is located in the annotated cytoplasmic region (UniProt). (I) 0705 - No comparable missense variants have previous evidence for pathogenicity. (I) 0809 - Previous reports of pathogenicity for this variant are conflicting. This variant has been identified in an individual with drug-induced LQTS who had a history of cardiac arrest associated with substance abuse (PMID: 10984545). This variant has been identified by the GeneDx laboratory in a individual with a history of syncope and in another individual in which no phenotypic information was provided. It was classified as a VUS (GeneDx personal communication). Additionally, this variant has been identified in two individuals undergoing preconception carrier screening who did not have a family history of an inheritable genetic condition (PMID: 31589614). (I) 0905 - No published segregation evidence has been identified for this variant. (I) 1002 - Moderate functional evidence supporting abnormal protein function. Patch clamp analysis in CHO cells has shown that this variant causes a reduction in potassium current density (PMID: 10984545). However, patch clamp assays have been shown to be unreliable, therefore results from these studies are used with caution during variant classification. (I) Legend: (SP) - Supporting pathogenic, (I) - Information, (SB) - Supporting benign

GeneDx
Classification: Likely pathogenic. Last evaluated: 2016-08-12. Review status: criteria provided, single submitter. Criteria: GeneDx Variant Classification (06012015). Collection method: clinical testing. Allele origin: germline. Affected: yes.
Comment: The A116V likely pathogenic variant in the KCNE2 gene has been reported in one individual with drug-induced LQTS, and was absent in >2,000 control alleles (Sesti et al., 2000). This variant was not observed in approximately 6,500 individuals of European and African American ancestry in the NHLBI Exome Sequencing Project, indicating it is not a common benign variant in these populations. Although the A116V variant is a conservative amino acid substitution, which is not likely to impact secondary protein structure as these residues share similar properties, it occurs at a position that is conserved across species. Furthermore, functional studies show that A116V results in diminished potassium current in CHO cells co-expressing wild type KCNH2 channel, which may result in increased susceptibility to drug-induced QT prolongation (Sesti et al., 2000). However, the effect of this variant on baseline QT interval and constitutional susceptibility to arrhythmia is unclear.Therefore, this variant is likely pathogenic. In order to definitively determine its clinical significance, additional data is required.

Neuberg Centre For Genomic Medicine, NCGM
Classification: Likely pathogenic for Long QT syndrome 6. Review status: criteria provided, single submitter. Criteria: ACMG Guidelines, 2015. Collection method: clinical testing. Allele origin: germline. Affected: yes.
Comment: The missense variant p.A116V in KCNE2 (NM_172201.2) has been reported previously in a patient who had drug induced prolongation of QT interval and functional studies in CHO cells depicted a damaging impact (Sesti F et al, 2000). It has been submitted to ClinVar as Likely Pathogenic/Uncertain Significance. The missense variant c.347C>T (p.A116V) in KCNE2 (NM_172201.2) is observed in 1/16222 (0.0062%) alleles from individuals of African background in the gnomAD dataset (Exome Aggregation Consortium et al., 2016), but was not seen in the homozygous state. In silico tools predict the variant to be damaging. For these reasons, this variant has been classified as Likely Pathogenic.

Cardiovascular Biomedical Research Unit, Royal Brompton & Harefield NHS Foundation Trust
No classification provided. Condition: Acquired long QT syndrome. Review status: no classification provided. Collection method: literature only. Allele origin: germline. Not counted in ClinVar's aggregate classification.
Comment: This variant has been reported as associated with acquired long QT syndrome, drug induced in the following publications (PMID:10984545;PMID:14760488). This is a literature report, and does not necessarily reflect the clinical interpretation of the Imperial College / Royal Brompton Cardiovascular Genetics laboratory.

Literature cited by the submitters: PubMed 10984545 (cited by 3 submitters); PubMed 15368194 (cited by Victorian Clinical Genetics Services, Murdoch Childrens Research Institute); PubMed 22166675 (cited by Victorian Clinical Genetics Services, Murdoch Childrens Research Institute); PubMed 24796621 (cited by Victorian Clinical Genetics Services, Murdoch Childrens Research Institute); PubMed 26123744 (cited by Victorian Clinical Genetics Services, Murdoch Childrens Research Institute); PubMed 28794082 (cited by Victorian Clinical Genetics Services, Murdoch Childrens Research Institute); PubMed 31589614 (cited by Victorian Clinical Genetics Services, Murdoch Childrens Research Institute); PubMed 14760488 (cited by Cardiovascular Biomedical Research Unit, Royal Brompton & Harefield NHS Foundation Trust); PubMed 22581653 (cited by Cardiovascular Biomedical Research Unit, Royal Brompton & Harefield NHS Foundation Trust).